The following is an entry in ClinVar:

ClinVar aggregate classification (germline): Uncertain significance. Review status: criteria provided, multiple submitters, no conflicts (2 of 4 stars). 2 submissions from 2 submitters: Uncertain significance (2). Last evaluated 2024-05-13.

Conditions:
Developmental and epileptic encephalopathy 91. Also called: EPILEPTIC ENCEPHALOPATHY, INFANTILE OR EARLY CHILDHOOD, 1. Identifiers: MedGen C4540199, MONDO:0020630, OMIM 617711.
Arthrogryposis, cleft palate, craniosynostosis, and impaired intellectual development. Identifiers: Orphanet 565858, MedGen C4748872, MONDO:0032642, OMIM 618265.

Allele frequency attached by ClinVar (database versions not stated): gnomAD exomes below 0.00001 and 0.00001; TOPMed below 0.00001; ExAC 0.00001; gnomAD 0.00001.
gnomAD v4.1: 14 of 1,611,162 alleles (0.00087%); highest among the groups gnomAD compares: Non-Finnish European, 0.001%; no homozygotes.

Submissions (2):

Fulgent Genetics
Classification: Uncertain significance for Developmental and epileptic encephalopathy 91; Arthrogryposis, cleft palate, craniosynostosis, and impaired intellectual development. Last evaluated: 2024-05-13. Review status: criteria provided, single submitter. Criteria: ACMG Guidelines, 2015. Collection method: clinical testing. Allele origin: germline.

Labcorp Genetics (formerly Invitae), Labcorp
Classification: Uncertain significance. Last evaluated: 2021-04-24. Review status: criteria provided, single submitter. Criteria: Invitae Variant Classification Sherloc (09022015). Collection method: clinical testing. Allele origin: germline.
Comment: In summary, the available evidence is currently insufficient to determine the role of this variant in disease. Therefore, it has been classified as a Variant of Uncertain Significance. Algorithms developed to predict the effect of missense changes on protein structure and function (SIFT, PolyPhen-2, Align-GVGD) all suggest that this variant is likely to be tolerated, but these predictions have not been confirmed by published functional studies and their clinical significance is uncertain. This variant has not been reported in the literature in individuals with PPP3CA-related conditions. This variant is present in population databases (rs774161035, ExAC 0.002%). This sequence change replaces glycine with valine at codon 383 of the PPP3CA protein (p.Gly383Val). The glycine residue is moderately conserved and there is a moderate physicochemical difference between glycine and valine.

NM_000944.5(PPP3CA):c.1148G>T (p.Gly383Val)

Gene: PPP3CA (protein phosphatase 3 catalytic subunit alpha; minus strand). Cytogenetic location: 4q24.
Variant type: single nucleotide variant.
Coding change: c.1148G>T on transcript NM_000944.5 (MANE Select); coding-DNA position 1148, G replaced by T.
Protein change: p.Gly383Val; replaces glycine 383 with valine.
Molecular consequence: missense variant.
Genome position (GRCh38, 1-based): chr4:101,061,095, C>A on the plus strand (G>T on the coding strand, the complement: PPP3CA is on the minus strand). VCF-style: chr4-101061095-C-A. GRCh37 (hg19) VCF-style: chr4-101982252-C-A.
Other names: c.1148G>T, p.Gly383Val (NM_001130691.2); c.1022G>T, p.Gly341Val (NM_001130692.2); short protein forms G341V, G383V.
Identifiers: ClinVar variation 1371892 (VCV001371892.9), dbSNP rs774161035, ClinGen allele CA3024332.
Genomic context (GRCh38, chr4:101,061,095, plus strand): 5'-TCTAAGTAATTATCTGGCAAATAGCATTAGCACAAAGGCTCAAGCCTCTTACCATCAAAT[C>A]CATCTTCTTCTGACCCTAGTTCATCATCTGAGCAGATGTTGAGGACATTTACCAGCATCT-3'
Protein context (NP_000935.1, residues 373-393): SDDELGSEED[Gly383Val]FDGATAAARK